The following is an entry in ClinVar:

NM_025074.7(FRAS1):c.9296G>A (p.Arg3099Gln)

Gene: FRAS1 (Fraser extracellular matrix complex subunit 1; plus strand). Cytogenetic location: 4q21.21.
Variant type: single nucleotide variant.
Coding change: c.9296G>A on transcript NM_025074.7 (MANE Select); coding-DNA position 9296, G replaced by A.
Protein change: p.Arg3099Gln; replaces arginine 3099 with glutamine.
Molecular consequence: missense variant.
Genome position (GRCh38, 1-based): chr4:78,499,901, G>A. VCF-style: chr4-78499901-G-A. GRCh37 (hg19) VCF-style: chr4-79421055-G-A.
Other names: short protein forms R3099Q.
Identifiers: ClinVar variation 702780 (VCV000702780.22), dbSNP rs149692526, ClinGen allele CA2978628.
Genomic context (GRCh38, chr4:78,499,901, plus strand): 5'-TTCGCTGCAGCACGCGGGATGGCTCTGCCCAGTCTGGTGTGGATTATTACCCAAAGAGCC[G>A]AGTCTTGAAGTTCAGTCCCGGTAATTGAATGCCAACCTCAATCTGTGGGTTTTACTTAAT-3'
Protein context (NP_079350.5, residues 3089-3109): QSGVDYYPKS[Arg3099Gln]VLKFSPGVDH

ClinVar aggregate classification (germline): Conflicting classifications of pathogenicity. Review status: criteria provided, conflicting classifications (1 of 4 stars). 7 submissions from 7 submitters: Uncertain significance (2); Benign (1); Likely benign (3). 1 of the submissions does not count toward it. Last evaluated 2026-01-25.

Conditions:
FRAS1-related disorder. Also called: FRAS1-related condition.
Inborn genetic diseases. Identifiers: MedGen C0950123, MeSH D030342.
Fraser syndrome 1 (FRASRS1). Also called: CRYPTOPHTHALMOS WITH OTHER MALFORMATIONS. Identifiers: Orphanet 2052, MedGen C4551480, MONDO:0054737, OMIM 219000.

Allele frequency attached by ClinVar (database versions not stated): ESP Exome Variant Server 0.00058; gnomAD 0.00071 and 0.00086; gnomAD exomes 0.00077 and 0.00119; TOPMed 0.00080; 1000 Genomes Project 0.00120; 1000 Genomes Project 30x 0.00125; ExAC 0.00138.
gnomAD v4.1: 1,262 of 1,573,670 alleles (0.08%); highest among the groups gnomAD compares: Middle Eastern, 1.3%; 7 homozygotes.

Submissions (7):

Labcorp Genetics (formerly Invitae), Labcorp
Classification: Benign. Last evaluated: 2026-01-25. Review status: criteria provided, single submitter. Criteria: Invitae Variant Classification Sherloc (09022015). Collection method: clinical testing. Allele origin: germline.

Ambry Genetics
Classification: Uncertain significance for Inborn genetic diseases. Last evaluated: 2026-01-09. Review status: criteria provided, single submitter. Criteria: Ambry Variant Classification Scheme 2023. Collection method: clinical testing. Allele origin: germline.
Comment: The c.9296G>A (p.R3099Q) alteration is located in exon 61 (coding exon 61) of the FRAS1 gene. This alteration results from a G to A substitution at nucleotide position 9296, causing the arginine (R) at amino acid position 3099 to be replaced by a glutamine (Q). Based on data from gnomAD, the A allele has an overall frequency of 0.11% (298/271168) total alleles studied. The highest observed frequency was 0.632% (62/9818) of Ashkenazi Jewish alleles. Based on insufficient or conflicting evidence, the clinical significance of this alteration remains unclear.

Blueprint Genetics
Classification: Likely benign. Last evaluated: 2024-11-25. Review status: criteria provided, single submitter. Criteria: ACMG Guidelines, 2015. Collection method: clinical testing. Allele origin: germline.

Department of Pathology and Laboratory Medicine, Sinai Health System
Classification: Likely benign for Fraser syndrome 1. Last evaluated: 2020-08-05. Review status: criteria provided, single submitter. Criteria: ACMG Guidelines, 2015. Collection method: research. Allele origin: germline.

Genetic Services Laboratory, University of Chicago
Classification: Uncertain significance. Last evaluated: 2018-11-08. Review status: criteria provided, single submitter. Criteria: ACMG Guidelines, 2015. Collection method: clinical testing. Allele origin: germline. Affected: no.

Illumina Laboratory Services, Illumina
Classification: Likely benign for Fraser syndrome 1. Last evaluated: 2017-04-27. Review status: criteria provided, single submitter. Criteria: ICSL Variant Classification Criteria 13 December 2019. Collection method: clinical testing. Allele origin: germline.
Comment: This variant was observed as part of a predisposition screen in an ostensibly healthy population. A literature search was performed for the gene, cDNA change, and amino acid change (where applicable). No publications were found based on this search. Allele frequency data from public databases allowed determination this variant is unlikely to cause disease. Therefore, this variant is classified as likely benign.

PreventionGenetics, part of Exact Sciences
Classification: Likely benign for FRAS1-related condition. Last evaluated: 2019-12-19. Review status: no assertion criteria provided. Collection method: clinical testing. Allele origin: germline. Not counted in ClinVar's aggregate classification.
Comment: This variant is classified as likely benign based on ACMG/AMP sequence variant interpretation guidelines (Richards et al. 2015 PMID: 25741868, with internal and published modifications).